The following is an entry in ClinVar:

ClinVar aggregate classification (germline): Uncertain significance. Review status: criteria provided, multiple submitters, no conflicts (2 of 4 stars). 2 submissions from 2 submitters: Uncertain significance (2). Last evaluated 2024-10-21.

Conditions:
Brugada syndrome. Also called: Sudden unexpected nocturnal death syndrome; Sudden Unexplained Nocturnal Death Syndrome (SUNDS); Sudden Unexplained Death Syndrome; Sudden unexplained nocturnal death syndrome. Identifiers: Orphanet 130, MedGen C1142166, MONDO:0015263.
Cardiovascular phenotype. Identifiers: MedGen CN230736.

Allele frequency attached by ClinVar (database versions not stated): gnomAD exomes 0.00001; ExAC 0.00002; gnomAD 0.00006 and 0.00007; TOPMed 0.00006; ESP Exome Variant Server 0.00008.
gnomAD v4.1: 12 of 1,610,152 alleles (0.00075%); highest among the groups gnomAD compares: African/African-American, 0.016%; no homozygotes.

Submissions (2):

Labcorp Genetics (formerly Invitae), Labcorp
Classification: Uncertain significance for Brugada syndrome. Last evaluated: 2024-10-21. Review status: criteria provided, single submitter. Criteria: Invitae Variant Classification Sherloc (09022015). Collection method: clinical testing. Allele origin: germline.
Comment: This sequence change replaces arginine, which is basic and polar, with lysine, which is basic and polar, at codon 335 of the GPD1L protein (p.Arg335Lys). This variant is present in population databases (rs369439723, gnomAD 0.02%). This variant has not been reported in the literature in individuals affected with GPD1L-related conditions. ClinVar contains an entry for this variant (Variation ID: 1009681). Invitae Evidence Modeling of protein sequence and biophysical properties (such as structural, functional, and spatial information, amino acid conservation, physicochemical variation, residue mobility, and thermodynamic stability) indicates that this missense variant is not expected to disrupt GPD1L protein function with a negative predictive value of 80%. In summary, the available evidence is currently insufficient to determine the role of this variant in disease. Therefore, it has been classified as a Variant of Uncertain Significance.

Ambry Genetics
Classification: Uncertain significance for Cardiovascular phenotype. Last evaluated: 2020-10-01. Review status: criteria provided, single submitter. Criteria: Ambry Variant Classification Scheme 2023. Collection method: clinical testing. Allele origin: germline.
Comment: The p.R335K variant (also known as c.1004G>A), located in coding exon 8 of the GPD1L gene, results from a G to A substitution at nucleotide position 1004. The arginine at codon 335 is replaced by lysine, an amino acid with highly similar properties. This amino acid position is poorly conserved in available vertebrate species. In addition, this alteration is predicted to be tolerated by in silico analysis. Since supporting evidence is limited at this time, the clinical significance of this alteration remains unclear.

NM_015141.4(GPD1L):c.1004G>A (p.Arg335Lys)

Gene: GPD1L (glycerol-3-phosphate dehydrogenase 1 like; plus strand). Cytogenetic location: 3p22.3.
Variant type: single nucleotide variant.
Coding change: c.1004G>A on transcript NM_015141.4 (MANE Select); coding-DNA position 1004, G replaced by A.
Protein change: p.Arg335Lys; replaces arginine 335 with lysine.
Molecular consequence: missense variant.
Genome position (GRCh38, 1-based): chr3:32,165,858, G>A. VCF-style: chr3-32165858-G-A. GRCh37 (hg19) VCF-style: chr3-32207350-G-A.
Other names: short protein forms R335K.
Identifiers: ClinVar variation 1009681 (VCV001009681.6), dbSNP rs369439723, ClinGen allele CA2296818.